The following is an entry in ClinVar:

ClinVar aggregate classification (germline): Pathogenic/Likely pathogenic. Review status: criteria provided, multiple submitters, no conflicts (2 of 4 stars). 10 submissions from 7 submitters: Pathogenic (4); Likely pathogenic (2). 4 of the submissions do not count toward it. Last evaluated 2026-01-05.

Conditions:
Multiple epiphyseal dysplasia type 4 (EDM4). Also called: MULTIPLE EPIPHYSEAL DYSPLASIA WITH BILAYERED PATELLAE; MULTIPLE EPIPHYSEAL DYSPLASIA WITH CLUBFOOT; MULTIPLE EPIPHYSEAL DYSPLASIA, AUTOSOMAL RECESSIVE; Multiple Epiphyseal Dysplasia, Recessive; SLC26A2-Related Multiple Epiphyseal Dysplasia. Identifiers: Orphanet 93307, MedGen C1847593, MONDO:0009189, OMIM 226900.
Diastrophic dysplasia (DTD). Also called: Diastrophic dwarfism. Identifiers: Orphanet 628, MedGen C0220726, MONDO:0009107, OMIM 222600.
Achondrogenesis, type IB (ACG1B). Also called: Achondrogenesis Type 1B. Identifiers: Orphanet 932, Orphanet 93298, MedGen C0265274, MONDO:0010966, OMIM 600972.
Atelosteogenesis type II (AO2). Also called: NEONATAL OSSEOUS DYSPLASIA I; Neonatal osseous dysplasia 1; SLC26A2-Related Atelosteogenesis. Identifiers: Orphanet 56304, MedGen C1850554, MONDO:0009727, OMIM 256050.
Sulfate transporter-related osteochondrodysplasia. Also called: DTDST-related dysplasias. Identifiers: MedGen CN120497. Disease mechanism: loss of function.

Submissions (10):

Prenatal Diagnosis Unit, University Medical Center at Ho Chi Minh City, University of Medicine and Pharmacy at Ho Chi Minh City
Classification: Pathogenic for Achondrogenesis, type IB. Last evaluated: 2026-01-05. Review status: criteria provided, single submitter. Criteria: ACMG Guidelines, 2015. Collection method: provider interpretation. Allele origin: unknown. Inheritance: Autosomal recessive inheritance. Affected: yes. Observed: 1 variant allele.
Comment: SLC26A2 c.485_486delTG (p.Val162GlyfsX12) results in a premature termination codon, predicted to cause a truncation of the encoded protein or absence of the protein due to nonsense mediated decay. Althought the presence of structural SLC26A2 mutations on one or both alleles determines the severity of skeletal anomalies, Achondrogenesis type Ib, a lethal phenotype, might be a result of LOF of homozygosity or compound heterozygosity for mutations predicting premature truncation of the protein or amino acid substitutions within transmembrane domains (PMID: 11241838). The variant allele was found at a frequency of 4e-06 in 247972 control chromosomes, which considered extremely low frequency in autosomal recessive disorders. At least two silico predictors (CADD and phylopP) indicated strong functional constraint and intolerance to sequence variation. In Clinvar dataset, there has been 3 submissions as pathogenic variants and 7 summations as likely pathogenic variants. In conclusion, this variant is classified as a pathogenic variant according to the ACMG/AMP 2015 guidelines, based on criteria PSV1, PM2, PM4, PP3, PP5.

Natera, Inc.
Classification: Likely pathogenic for Achondrogenesis type IB. Last evaluated: 2025-06-09. Review status: criteria provided, single submitter. Criteria: Natera Variant Classification Schema (03/2026). Collection method: clinical testing. Allele origin: germline.
Comment: The c.485_486delTG variant in SLC26A2 is a frameshift variant predicted to shift the reading frame beginning at codon 162 and leads to a stop codon 12 codons downstream. This variant is expected to result in nonsense mediated decay, truncation, or a dysfunctional protein product. This variant is rare in the general population with a frequency below the threshold expected for the associated phenotype(s). Given the available evidence, this variant is classified as Likely Pathogenic.

Baylor Genetics
Classification: Pathogenic for Achondrogenesis, type IB. Last evaluated: 2024-03-26. Review status: criteria provided, single submitter. Criteria: ACMG Guidelines, 2015. Collection method: clinical testing. Allele origin: unknown.

Labcorp Genetics (formerly Invitae), Labcorp
Classification: Pathogenic for Atelosteogenesis type II; Multiple epiphyseal dysplasia type 4; Achondrogenesis, type IB; Diastrophic dysplasia. Last evaluated: 2023-11-17. Review status: criteria provided, single submitter. Criteria: Invitae Variant Classification Sherloc (09022015). Collection method: clinical testing. Allele origin: germline.
Comment: This sequence change creates a premature translational stop signal (p.Val162Glyfs*12) in the SLC26A2 gene. It is expected to result in an absent or disrupted protein product. Loss-of-function variants in SLC26A2 are known to be pathogenic (PMID: 7923357, 10482955, 11241838). This variant is present in population databases (rs763198695, gnomAD 0.005%). This premature translational stop signal has been observed in individuals with SLC26A2-related skeletal dysplasia (PMID: 20592910; Invitae). ClinVar contains an entry for this variant (Variation ID: 371777). For these reasons, this variant has been classified as Pathogenic.

GeneDx
Classification: Likely pathogenic. Last evaluated: 2023-08-24. Review status: criteria provided, single submitter. Criteria: GeneDx Variant Classification Process June 2021. Collection method: clinical testing. Allele origin: germline. Affected: yes.
Comment: Frameshift variant predicted to result in protein truncation or nonsense mediated decay in a gene for which loss of function is a known mechanism of disease; Not observed at significant frequency in large population cohorts (gnomAD); This variant is associated with the following publications: (PMID: 33728303, 30423444, 21965141, 26402641, 20592910)

Women's Health and Genetics/Laboratory Corporation of America, LabCorp
Classification: Pathogenic for Osteochondrodysplasia. Last evaluated: 2020-09-09. Review status: criteria provided, single submitter. Criteria: LabCorp Variant Classification Summary - May 2015. Collection method: clinical testing. Allele origin: germline.
Comment: Variant summary: SLC26A2 c.485_486delTG (p.Val162GlyfsX12) results in a premature termination codon, predicted to cause a truncation of the encoded protein or absence of the protein due to nonsense mediated decay, which are commonly known mechanisms for disease. Truncations downstream of this position have been classified as pathogenic by our laboratory. The variant allele was found at a frequency of 4e-06 in 247972 control chromosomes. c.485_486delTG has been reported in the literature in at-least one individual affected with Sulfate Transporter-Related Osteochondrodysplasia and has been subsequently cited by others (example, Cho_2010, Kim_2011, Bae_2016, Kausar_2019) consistent with the mutational spectrum of SLC26A2 related skeletal dysplasias. To our knowledge, no experimental evidence demonstrating an impact on protein function has been reported. Two clinical diagnostic laboratories have submitted clinical-significance assessments for this variant to ClinVar after 2014 without evidence for independent evaluation. All laboratories classified the variant as pathogenic/likely pathogenic. Based on the evidence outlined above, the variant was classified as pathogenic.

Counsyl
Classification: Likely pathogenic for Diastrophic dysplasia. Last evaluated: 2016-10-04. Review status: no assertion criteria provided. Collection method: clinical testing. Allele origin: unknown. Not counted in ClinVar's aggregate classification.

Counsyl
Classification: Likely pathogenic for Multiple epiphyseal dysplasia type 4. Last evaluated: 2016-10-04. Review status: no assertion criteria provided. Collection method: clinical testing. Allele origin: unknown. Not counted in ClinVar's aggregate classification.

Counsyl
Classification: Likely pathogenic for Atelosteogenesis type II. Last evaluated: 2016-10-04. Review status: no assertion criteria provided. Collection method: clinical testing. Allele origin: unknown. Not counted in ClinVar's aggregate classification.

Counsyl
Classification: Likely pathogenic for Achondrogenesis, type IB. Last evaluated: 2016-10-04. Review status: no assertion criteria provided. Collection method: clinical testing. Allele origin: unknown. Not counted in ClinVar's aggregate classification.

Literature cited by the submitters: PubMed 11241838 (cited by Prenatal Diagnosis Unit, University Medical Center at Ho Chi Minh City, University of Medicine and Pharmacy at Ho Chi Minh City and Labcorp Genetics (formerly Invitae), Labcorp); PubMed 30423444 (cited by Prenatal Diagnosis Unit, University Medical Center at Ho Chi Minh City, University of Medicine and Pharmacy at Ho Chi Minh City and Women's Health and Genetics/Laboratory Corporation of America, LabCorp); PubMed 26402641 (cited by Prenatal Diagnosis Unit, University Medical Center at Ho Chi Minh City, University of Medicine and Pharmacy at Ho Chi Minh City and Women's Health and Genetics/Laboratory Corporation of America, LabCorp); PubMed 33728303 (cited by Prenatal Diagnosis Unit, University Medical Center at Ho Chi Minh City, University of Medicine and Pharmacy at Ho Chi Minh City); PubMed 7923357 (cited by Labcorp Genetics (formerly Invitae), Labcorp); PubMed 10482955 (cited by Labcorp Genetics (formerly Invitae), Labcorp); PubMed 20592910 (cited by 3 submitters); PubMed 21965141 (cited by Women's Health and Genetics/Laboratory Corporation of America, LabCorp).

NM_000112.4(SLC26A2):c.485_486del (p.Val162fs)

Gene: SLC26A2 (solute carrier family 26 member 2; plus strand). Cytogenetic location: 5q32.
Variant type: Microsatellite.
Coding change: c.485_486del on transcript NM_000112.4 (MANE Select); coding-DNA positions 485 to 486, 2 bases deleted (TG; older notation c.485_486delTG).
Protein change: p.Val162fs; shifts the reading frame from valine 162.
Molecular consequence: frameshift variant.
Genome position (GRCh38, 1-based): chr5:149,978,137-149,978,138, TG deleted; deleting any 2 consecutive bases within chr5:149,978,135-149,978,138 gives the same sequence; the c. name uses the placement nearest the transcript's 3' end. VCF-style (leftmost placement, unchanged base first): chr5-149978134-CTG-C. GRCh37 (hg19) VCF-style: chr5-149357697-CTG-C.
Other names: c.485_486delTG (NM_000112.3); short protein forms V162fs.
Identifiers: ClinVar variation 371777 (VCV000371777.17), dbSNP rs763198695, ClinGen allele CA3505259.
Genomic context (GRCh38, chr5:149,978,134, plus strand): 5'-TGTACACATCTTTTTTTGCCAGCATCATTTATTTTCTCTTGGGTACCTCCCGTCACATCT[CTG>C]TGGGCATTTTTGGAGTACTGTGCCTTATGATTGGTGAGACAGTTGACCGAGAACTACAGA-3'